The following is an entry in ClinVar:

ClinVar aggregate classification (germline): Uncertain significance. Review status: criteria provided, multiple submitters, no conflicts (2 of 4 stars). 3 submissions from 3 submitters: Uncertain significance (3). Last evaluated 2025-08-01.

Conditions:
Inborn genetic diseases. Identifiers: MedGen C0950123, MeSH D030342.

Allele frequency attached by ClinVar (database versions not stated): ExAC 0.00001; gnomAD 0.00001; gnomAD exomes 0.00001; TOPMed 0.00002.
gnomAD v4.1: 18 of 1,613,962 alleles (0.0011%); highest among the groups gnomAD compares: Admixed American, 0.0017%; no homozygotes.

Submissions (3):

Labcorp Genetics (formerly Invitae), Labcorp
Classification: Uncertain significance. Last evaluated: 2025-08-01. Review status: criteria provided, single submitter. Criteria: Invitae Variant Classification Sherloc (09022015). Collection method: clinical testing. Allele origin: germline.
Comment: This sequence change replaces arginine, which is basic and polar, with cysteine, which is neutral and slightly polar, at codon 3188 of the VCAN protein (p.Arg3188Cys). This variant is present in population databases (rs768294015, gnomAD 0.003%). This variant has not been reported in the literature in individuals affected with VCAN-related conditions. ClinVar contains an entry for this variant (Variation ID: 855023). An algorithm developed to predict the effect of missense changes on protein structure and function (PolyPhen-2) suggests that this variant is likely to be disruptive. In summary, the available evidence is currently insufficient to determine the role of this variant in disease. Therefore, it has been classified as a Variant of Uncertain Significance.

Ambry Genetics
Classification: Uncertain significance for Inborn genetic diseases. Last evaluated: 2025-05-18. Review status: criteria provided, single submitter. Criteria: Ambry Variant Classification Scheme 2023. Collection method: clinical testing. Allele origin: germline.

Blueprint Genetics
Classification: Uncertain significance. Last evaluated: 2021-03-18. Review status: criteria provided, single submitter. Criteria: ACMG Guidelines, 2015. Collection method: clinical testing. Allele origin: germline.

NM_004385.5(VCAN):c.9562C>T (p.Arg3188Cys)

Genes: VCAN (versican; plus strand), VCAN-AS1 (VCAN antisense RNA 1; minus strand). Cytogenetic location: 5q14.3.
Variant type: single nucleotide variant.
Coding change: c.9562C>T on transcript NM_004385.5 (MANE Select); coding-DNA position 9562, C replaced by T.
Protein change: p.Arg3188Cys; replaces arginine 3188 with cysteine.
Molecular consequence: missense variant.
Genome position (GRCh38, 1-based): chr5:83,553,432, C>T. VCF-style: chr5-83553432-C-T. GRCh37 (hg19) VCF-style: chr5-82849251-C-T.
Other names: c.1339C>T, p.Arg447Cys (NM_001126336.3); c.6601C>T, p.Arg2201Cys (NM_001164097.2); c.4300C>T, p.Arg1434Cys (NM_001164098.2); short protein forms R1434C, R2201C, R3188C, R447C.
Identifiers: ClinVar variation 855023 (VCV000855023.11), dbSNP rs768294015, ClinGen allele CA3334041.